The following is an entry in ClinVar:

NM_000081.4(LYST):c.8650T>A (p.Ser2884Thr)

Gene: LYST (lysosomal trafficking regulator; minus strand). Cytogenetic location: 1q42.3.
Variant type: single nucleotide variant.
Coding change: c.8650T>A on transcript NM_000081.4 (MANE Select); coding-DNA position 8650, T replaced by A.
Protein change: p.Ser2884Thr; replaces serine 2884 with threonine.
Molecular consequence: missense variant.
Genome position (GRCh38, 1-based): chr1:235,733,654, A>T on the plus strand (T>A on the coding strand, the complement: LYST is on the minus strand). VCF-style: chr1-235733654-A-T. GRCh37 (hg19) VCF-style: chr1-235896954-A-T.
Other names: c.8650T>A, p.Ser2884Thr (NM_001301365.1); short protein forms S2884T.
Identifiers: ClinVar variation 1438016 (VCV001438016.7), dbSNP rs2527550950, ClinGen allele CA344920503.

ClinVar aggregate classification (germline): Uncertain significance (1 of 4 stars; one submission).

Conditions:
Chédiak-Higashi syndrome (CHS). Also called: Chediak-Higashi Syndrome. Identifiers: Orphanet 167, MedGen C0007965, MONDO:0008963, OMIM 214500.

Submission:

Labcorp Genetics (formerly Invitae), Labcorp
Classification: Uncertain significance for Chédiak-Higashi syndrome. Last evaluated: 2021-01-28. Review status: criteria provided, single submitter. Criteria: Invitae Variant Classification Sherloc (09022015). Collection method: clinical testing. Allele origin: germline.
Comment: This sequence change replaces serine with threonine at codon 2884 of the LYST protein (p.Ser2884Thr). The serine residue is highly conserved and there is a small physicochemical difference between serine and threonine. This variant is not present in population databases (ExAC no frequency). This variant has not been reported in the literature in individuals with LYST-related conditions. Algorithms developed to predict the effect of missense changes on protein structure and function are either unavailable or do not agree on the potential impact of this missense change (SIFT: "Tolerated"; PolyPhen-2: "Probably Damaging"; Align-GVGD: "Class C0"). In summary, the available evidence is currently insufficient to determine the role of this variant in disease. Therefore, it has been classified as a Variant of Uncertain Significance.